The following is an entry in ClinVar:

ClinVar aggregate classification (germline): Uncertain significance (1 of 4 stars; one submission).

Conditions:
Tatton-Brown-Rahman overgrowth syndrome. Also called: Tall stature-intellectual disability-facial dysmorphism syndrome; Tatton-Brown-Rahman syndrome. Identifiers: Orphanet 404443, MedGen C4014545, MONDO:0014382, OMIM 615879.

Submission:

Victorian Clinical Genetics Services, Murdoch Childrens Research Institute
Classification: Uncertain significance for Tatton-Brown-Rahman overgrowth syndrome. Last evaluated: 2022-02-02. Review status: criteria provided, single submitter. Criteria: ACMG Guidelines, 2015. Collection method: clinical testing. Allele origin: germline. Inheritance: Autosomal dominant inheritance. Affected: yes.
Comment: Based on the classification scheme VCGS_Germline_v1.3.4, this variant is classified as VUS-3B. Following criteria are met: 0103 - Loss of function and gain of function are known mechanisms of disease in this gene and are associated with Tatton-Brown-Rahman syndrome (TBRS; MIM#615879) and Heyn-Sproul-Jackson syndrome (HSJ; MIM#618724), respectively. TBRS is caused by variants that result in a premature termination codon, or missense variants. However, HSJ is exclusively caused by missense variants (PMID: 30478443). (I) 0107 - This gene is associated with autosomal dominant disease. (I) 0200 - Variant is predicted to result in a missense amino acid change from proline to glutamine. (I) 0251 - This variant is heterozygous. (I) 0301 - Variant is absent from gnomAD (both v2 and v3). (SP) 0309 - An alternative amino acid change at the same position has been observed in gnomAD (v3) (1 heterozygote, 0 homozygotes). (I) 0501 - Missense variant consistently predicted to be damaging by multiple in silico tools or highly conserved with a major amino acid change. (SP) 0600 - Variant is located in the annotated SAM-dependent MTase C5-type domain (UniProt). (I) 0705 - No comparable missense variants have previous evidence for pathogenicity. (I) 0807 - This variant has no previous evidence of pathogenicity. (I) 0905 - No published segregation evidence has been identified for this variant. (I) 1007 - No published functional evidence has been identified for this variant. (I) 1208 - Inheritance information for this variant is not currently available in this individual. (I) Legend: (SP) - Supporting pathogenic, (I) - Information, (SB) - Supporting benign

Literature cited by the submitters: PubMed 30478443.

NM_022552.5(DNMT3A):c.2411C>A (p.Pro804Gln)

Gene: DNMT3A (DNA methyltransferase 3 alpha; minus strand). Cytogenetic location: 2p23.3.
Variant type: single nucleotide variant.
Coding change: c.2411C>A on transcript NM_022552.5 (MANE Select); coding-DNA position 2411, C replaced by A.
Protein change: p.Pro804Gln; replaces proline 804 with glutamine.
Molecular consequence: missense variant. On other transcripts: non-coding transcript variant (1).
Genome position (GRCh38, 1-based): chr2:25,237,003, G>T on the plus strand (C>A on the coding strand, the complement: DNMT3A is on the minus strand). VCF-style: chr2-25237003-G-T. GRCh37 (hg19) VCF-style: chr2-25459872-G-T.
Other names: c.1955C>A, p.Pro652Gln (NM_001320893.1); c.1742C>A, p.Pro581Gln (NM_001375819.1); c.1844C>A, p.Pro615Gln (NM_153759.3); c.2411C>A, p.Pro804Gln (NM_175629.2); short protein forms P581Q, P615Q, P652Q, P804Q.
Identifiers: ClinVar variation 1699486 (VCV001699486.3), dbSNP rs750597155, ClinGen allele CA346069028.
Genomic context (GRCh38, chr2:25,237,003, plus strand): 5'-ATCCTGCCATGCTCCAGACACTCCTGCAGCTCCAGCTTATCATTCACAGTGGATGCCAAC[G>T]GCCTAGGAGGCAGAAGAGAGACTGTAACAACAGAAACCTGGATAACAGCGGGAAGGGCCC-3'
Protein context (NP_072046.2, residues 794-814): FWGNLPGMNR[Pro804Gln]LASTVNDKLE